The following is an entry in ClinVar:

ClinVar aggregate classification (germline): Uncertain significance. Review status: criteria provided, multiple submitters, no conflicts (2 of 4 stars). 3 submissions from 3 submitters: Uncertain significance (3). Last evaluated 2024-05-29.

Conditions:
Imerslund-Grasbeck syndrome. Also called: ENTEROCYTE COBALAMIN MALABSORPTION; ENTEROCYTE INTRINSIC FACTOR RECEPTOR, DEFECT OF; Imerslund-Gräsbeck syndrome; Megaloblastic anemia due to inborn errors of metabolism; PERNICIOUS ANEMIA, JUVENILE, DUE TO SELECTIVE INTESTINAL MALABSORPTION OF VITAMIN B12, WITH PROTEINURIA. Identifiers: Orphanet 35858, MedGen C4551825, MONDO:0009853.
Imerslund-Grasbeck syndrome type 1 (IGS1). Also called: Megaloblastic anemia 1, Finnish type; Imerslund-Gräsbeck syndrome 1; MEGALOBLASTIC ANEMIA, 1. Identifiers: MedGen C4016819, MONDO:0100156, OMIM 261100.
Proteinuria, chronic benign. Identifiers: MedGen C5394384, MONDO:0030042, OMIM 618884.

Allele frequency attached by ClinVar (database versions not stated): gnomAD 0.00010 and 0.00011; ExAC 0.00003; TOPMed 0.00004.
gnomAD v4.1: 116 of 1,613,696 alleles (0.0072%); highest among the groups gnomAD compares: Non-Finnish European, 0.0094%; no homozygotes.

Submissions (3):

Labcorp Genetics (formerly Invitae), Labcorp
Classification: Uncertain significance for Imerslund-Grasbeck syndrome. Last evaluated: 2024-05-29. Review status: criteria provided, single submitter. Criteria: Invitae Variant Classification Sherloc (09022015). Collection method: clinical testing. Allele origin: germline.
Comment: This sequence change replaces glycine, which is neutral and non-polar, with alanine, which is neutral and non-polar, at codon 2093 of the CUBN protein (p.Gly2093Ala). This variant is present in population databases (rs748823977, gnomAD 0.02%). This variant has not been reported in the literature in individuals affected with CUBN-related conditions. ClinVar contains an entry for this variant (Variation ID: 879051). Advanced modeling of protein sequence and biophysical properties (such as structural, functional, and spatial information, amino acid conservation, physicochemical variation, residue mobility, and thermodynamic stability) performed at Invitae indicates that this missense variant is expected to disrupt CUBN protein function with a positive predictive value of 80%. In summary, the available evidence is currently insufficient to determine the role of this variant in disease. Therefore, it has been classified as a Variant of Uncertain Significance.

Fulgent Genetics
Classification: Uncertain significance for Imerslund-Grasbeck syndrome type 1; Proteinuria, chronic benign. Last evaluated: 2024-02-28. Review status: criteria provided, single submitter. Criteria: ACMG Guidelines, 2015. Collection method: clinical testing. Allele origin: germline.

Illumina Laboratory Services, Illumina
Classification: Uncertain significance for Imerslund-Grasbeck syndrome type 1. Last evaluated: 2018-01-12. Review status: criteria provided, single submitter. Criteria: ICSL Variant Classification Criteria 13 December 2019. Collection method: clinical testing. Allele origin: germline.

NM_001081.4(CUBN):c.6278G>C (p.Gly2093Ala)

Gene: CUBN (cubilin; minus strand). Cytogenetic location: 10p13.
Variant type: single nucleotide variant.
Coding change: c.6278G>C on transcript NM_001081.4 (MANE Select); coding-DNA position 6278, G replaced by C.
Protein change: p.Gly2093Ala; replaces glycine 2093 with alanine.
Molecular consequence: missense variant.
Genome position (GRCh38, 1-based): chr10:16,925,768, C>G on the plus strand (G>C on the coding strand, the complement: CUBN is on the minus strand). VCF-style: chr10-16925768-C-G. GRCh37 (hg19) VCF-style: chr10-16967767-C-G.
Other names: short protein forms G2093A.
Identifiers: ClinVar variation 879051 (VCV000879051.9), dbSNP rs748823977, ClinGen allele CA5423722.
Genomic context (GRCh38, chr10:16,925,768, plus strand): 5'-GGGTAAGTCTCTGGATACTTGGGGGACGTGATGATCCCTCTGTCTGCATGCAAATATCCA[C>G]CGCAGCCTTCCCACAAAGAAACAAAGGTCGGTTATTTAAATAGCATTGGCAACTGGATTT-3'
Protein context (NP_001072.2, residues 2083-2103): GFNASFHKSC[Gly2093Ala]GYLHADRGII